The following is an entry in ClinVar:

ClinVar aggregate classification (germline): Uncertain significance (0 of 4 stars; one submission).

Conditions:
PLXNA3-related disorder. Also called: PLXNA3-related condition.

Submission:

PreventionGenetics, part of Exact Sciences
Classification: Uncertain significance for PLXNA3-related condition. Last evaluated: 2024-06-22. Review status: no assertion criteria provided. Collection method: clinical testing. Allele origin: germline.
Comment: The PLXNA3 c.2641T>C variant is predicted to result in the amino acid substitution p.Cys881Arg. To our knowledge, this variant has not been reported in the literature or in a large population database, indicating this variant is rare. At this time, the clinical significance of this variant is uncertain due to the absence of conclusive functional and genetic evidence.

NM_017514.5(PLXNA3):c.2641T>C (p.Cys881Arg)

Gene: PLXNA3 (plexin A3; plus strand). Cytogenetic location: Xq28.
Variant type: single nucleotide variant.
Coding change: c.2641T>C on transcript NM_017514.5 (MANE Select); coding-DNA position 2641, T replaced by C.
Protein change: p.Cys881Arg; replaces cysteine 881 with arginine.
Molecular consequence: missense variant.
Genome position (GRCh38, 1-based): chrX:154,466,043, T>C. VCF-style: chrX-154466043-T-C. GRCh37 (hg19) VCF-style: chrX-153694386-T-C.
Other names: short protein forms C881R.
Identifiers: ClinVar variation 3358244 (VCV003358244.1).